The following is an entry in ClinVar:

NM_001034853.2(RPGR):c.2080A>T (p.Lys694Ter)

Gene: RPGR (retinitis pigmentosa GTPase regulator; minus strand). Cytogenetic location: Xp11.4.
Variant type: single nucleotide variant.
Coding change: c.2080A>T on transcript NM_001034853.2 (MANE Select); coding-DNA position 2080, A replaced by T.
Protein change: p.Lys694Ter; replaces lysine 694 with a stop codon.
Molecular consequence: nonsense. On other transcripts: intron variant (8).
Genome position (GRCh38, 1-based): chrX:38,286,919, T>A on the plus strand (A>T on the coding strand, the complement: RPGR is on the minus strand). VCF-style: chrX-38286919-T-A. GRCh37 (hg19) VCF-style: chrX-38146172-T-A.
Other names: NM_001034853.2:c.2080A>T; c.1569+4040A>T (NM_001367249.1, NM_001367250.1); c.1902+175A>T (NM_001367245.1); c.1386+4040A>T (NM_001367251.1); c.1719+175A>T (NM_001367246.1); c.1572+4040A>T (NM_001367247.1); c.1905+175A>T (NM_000328.3); c.1602+4040A>T (NM_001367248.1); short protein forms K694*.
Identifiers: ClinVar variation 4082161 (VCV004082161.2).

ClinVar aggregate classification (germline): Likely pathogenic. Review status: reviewed by expert panel (3 of 4 stars). 2 submissions from 2 submitters: Likely pathogenic (1). 1 of the submissions does not count toward it. Last evaluated 2025-09-07.

Conditions:
RPGR-related retinopathy. Also called: RPGR retinopathy. Identifiers: MedGen CN305589, MONDO:0100437.
RPGR-related disorder. Also called: RPGR-related condition.

Submissions (2):

ClinGen X-linked Inherited Retinal Disease Variant Curation Expert Panel, ClinGen
Classification: Likely pathogenic for RPGR-related retinopathy. Last evaluated: 2025-09-07. Review status: reviewed by expert panel. Criteria: ClinGen X LinkedIRD ACMG Specifications RPGR V1.0.0. Collection method: curation. Allele origin: germline. Inheritance: X-linked inheritance.
Comment: NM_001034853.2(RPGR):c.2080A>T (p.Lys694Ter) is a nonsense variant introducing a premature stop in codon 694 within exon 15 of 15 that is predicted to disrupt a critical C-terminal region required for proper glutamylation of RPGR (PVS1, PMID: 36445968). This variant is absent from gnomAD v4.1.0 (PM2_Supporting). This variant has been reported in at least 2 apparently unrelated probands (PMID: 31953110, PMID: 14564670), however, the number of individuals meeting one of the PS4 requirements of some functional vision impairment in affected males by age 30 years, and/or decreased or absent cone and/or rod electroretinogram responses was fewer than the requirement of at least 2 unrelated probands, so PS4_Supporting was not met. In summary, this variant is classified as likely pathogenic for RPGR-related retinopathy based on the ClinGen X-linked Inherited Retinal Disease Expert Panel Specifications to the ACMG/AMP Variant Interpretation Guidelines for RPGR Version 1.0.0; PVS1 and PM2_Supporting.

Blueprint Genetics
Classification: Pathogenic for RPGR-related disorders. Last evaluated: 2022-08-31. Review status: criteria provided, single submitter. Criteria: ACMG Guidelines, 2015. Collection method: clinical testing. Allele origin: germline. Affected: yes. Observed: 1 variant allele. Not counted in ClinVar's aggregate classification.